The following is an entry in ClinVar:

NM_000552.5(VWF):c.5266A>G (p.Ser1756Gly)

Gene: VWF (von Willebrand factor; minus strand). Cytogenetic location: 12p13.31.
Variant type: single nucleotide variant.
Coding change: c.5266A>G on transcript NM_000552.5 (MANE Select); coding-DNA position 5266, A replaced by G.
Protein change: p.Ser1756Gly; replaces serine 1756 with glycine.
Molecular consequence: missense variant.
Genome position (GRCh38, 1-based): chr12:6,016,561, T>C on the plus strand (A>G on the coding strand, the complement: VWF is on the minus strand). VCF-style: chr12-6016561-T-C. GRCh37 (hg19) VCF-style: chr12-6125727-T-C.
Other names: short protein forms S1756G.
Identifiers: ClinVar variation 4689271 (VCV004689271.1).

ClinVar aggregate classification (germline): Uncertain significance (1 of 4 stars; one submission).

gnomAD v4.1: 5 of 1,614,052 alleles (0.00031%); highest among the groups gnomAD compares: Non-Finnish European, 0.00042%; no homozygotes.

Submission:

Women's Health and Genetics/Laboratory Corporation of America, LabCorp
Classification: Uncertain significance. Last evaluated: 2026-01-19. Review status: criteria provided, single submitter. Criteria: LabCorp Variant Classification Summary - May 2015. Collection method: clinical testing. Allele origin: germline.
Comment: Variant summary: VWF c.5266A>G (p.Ser1756Gly) results in a non-conservative amino acid change in the encoded protein sequence. Algorithms developed to predict the effect of missense changes on protein structure and function are either unavailable or do not agree on the potential impact of this missense change. The variant allele was found at a frequency of 8e-06 in 251454 control chromosomes. The available data on variant occurrences in the general population are insufficient to allow any conclusion about variant significance. To our knowledge, no occurrence of c.5266A>G in individuals affected with VWF-related conditions and no experimental evidence demonstrating its impact on protein function have been reported. No submitters have cited clinical-significance assessments for this variant to ClinVar. Based on the evidence outlined above, the variant was classified as uncertain significance.